The following is an entry in ClinVar:

NM_006922.4(SCN3A):c.1132C>T (p.Arg378Ter)

Gene: SCN3A (sodium voltage-gated channel alpha subunit 3; minus strand). Cytogenetic location: 2q24.3.
Variant type: single nucleotide variant.
Coding change: c.1132C>T on transcript NM_006922.4 (MANE Select); coding-DNA position 1132, C replaced by T.
Protein change: p.Arg378Ter; replaces arginine 378 with a stop codon.
Molecular consequence: nonsense.
Genome position (GRCh38, 1-based): chr2:165,155,803, G>A on the plus strand (C>T on the coding strand, the complement: SCN3A is on the minus strand). VCF-style: chr2-165155803-G-A. GRCh37 (hg19) VCF-style: chr2-166012313-G-A.
Other names: c.1132C>T, p.Arg378Ter (NM_001081676.2, NM_001081677.2); short protein forms R378*.
Identifiers: ClinVar variation 3390400 (VCV003390400.1).

ClinVar aggregate classification (germline): Uncertain significance (1 of 4 stars; one submission).

Submission:

GeneDx
Classification: Uncertain significance. Last evaluated: 2024-06-13. Review status: criteria provided, single submitter. Criteria: GeneDx Variant Classification Process June 2021. Collection method: clinical testing. Allele origin: germline. Affected: yes.
Comment: Not observed at significant frequency in large population cohorts (gnomAD); Nonsense variant predicted to result in protein truncation or nonsense mediated decay in a gene or region of a gene for which loss of function is not a well-established mechanism of disease; Has not been previously published as pathogenic or benign to our knowledge